The following is an entry in ClinVar:

ClinVar aggregate classification (germline): Conflicting classifications of pathogenicity. Review status: criteria provided, conflicting classifications (1 of 4 stars). 7 submissions from 7 submitters: Uncertain significance (5); Likely benign (2). Last evaluated 2025-06-12.

Conditions:
Breast cancer, susceptibility to. Identifiers: MedGen C3469522. Disease mechanism: gain of function.
Hereditary cancer-predisposing syndrome. Also called: Neoplastic Syndromes, Hereditary; Tumor predisposition; Hereditary Cancer Syndrome; Hereditary neoplastic syndrome. Identifiers: Orphanet 140162, MedGen C0027672, MeSH D009386, MONDO:0015356.
BRCA2-related cancer predisposition. Identifiers: MedGen CN377758, MONDO:0700269.
Hereditary breast ovarian cancer syndrome. Also called: BRCA1- and BRCA2-Associated Hereditary Breast and Ovarian Cancer; Hereditary breast and ovarian cancer syndrome; Hereditary breast and ovarian cancer; Hereditary breast and ovarian cancer syndrome (HBOC); Breast and ovarian cancer; Hereditary breast and/or ovarian cancer syndrome. Identifiers: Orphanet 145, MedGen C0677776, MeSH D061325, MONDO:0003582. Disease mechanism: loss of function.

Allele frequency attached by ClinVar (database versions not stated): gnomAD exomes below 0.00001.
gnomAD v4.1: 2 of 1,610,454 alleles (0.00012%); highest among the groups gnomAD compares: Non-Finnish European, 0.00017%; no homozygotes.

Submissions (7):

Ambry Genetics
Classification: Likely benign for Hereditary cancer-predisposing syndrome. Last evaluated: 2025-06-12. Review status: criteria provided, single submitter. Criteria: Ambry Variant Classification Scheme 2023. Collection method: clinical testing. Allele origin: germline.

Labcorp Genetics (formerly Invitae), Labcorp
Classification: Uncertain significance for Hereditary breast ovarian cancer syndrome. Last evaluated: 2024-08-14. Review status: criteria provided, single submitter. Criteria: Invitae Variant Classification Sherloc (09022015). Collection method: clinical testing. Allele origin: germline.
Comment: This sequence change replaces lysine, which is basic and polar, with glutamic acid, which is acidic and polar, at codon 907 of the BRCA2 protein (p.Lys907Glu). This variant is not present in population databases (gnomAD no frequency). This variant has not been reported in the literature in individuals affected with BRCA2-related conditions. ClinVar contains an entry for this variant (Variation ID: 232177). Invitae Evidence Modeling of protein sequence and biophysical properties (such as structural, functional, and spatial information, amino acid conservation, physicochemical variation, residue mobility, and thermodynamic stability) indicates that this missense variant is not expected to disrupt BRCA2 protein function with a negative predictive value of 95%. In summary, the available evidence is currently insufficient to determine the role of this variant in disease. Therefore, it has been classified as a Variant of Uncertain Significance.

All of Us Research Program, National Institutes of Health
Classification: Uncertain significance for BRCA2-related cancer predisposition. Last evaluated: 2024-07-29. Review status: criteria provided, single submitter. Criteria: ACMG Guidelines, 2015. Collection method: clinical testing. Allele origin: germline. Inheritance: Autosomal dominant inheritance. Observed: 1 variant allele, 1 heterozygote.
Comment: This missense variant replaces lysine with glutamic acid at codon 907 of the BRCA2 protein. Computational prediction suggests that this variant may not impact protein structure and function. To our knowledge, functional studies have not been reported for this variant. This variant has not been reported in individuals affected with BRCA2-related cancer, but has been reported in unaffected individuals (PMID: 30287823, 32980694, 36243179). This variant has not been identified in the general population by the Genome Aggregation Database (gnomAD). The available evidence is insufficient to determine the role of this variant in disease conclusively. Therefore, this variant is classified as a Variant of Uncertain Significance.

This study involves interpretation of variants in research participants for the purpose of population health screening. Participant phenotype was not available at the time of variant classification. Additional details can be found in publication PMID: 35346344, PMCID: PMC8962531

Women's Health and Genetics/Laboratory Corporation of America, LabCorp
Classification: Uncertain significance. Last evaluated: 2024-04-30. Review status: criteria provided, single submitter. Criteria: LabCorp Variant Classification Summary - May 2015. Collection method: clinical testing. Allele origin: germline.
Comment: Variant summary: BRCA2 c.2719A>G (p.Lys907Glu) results in a conservative amino acid change in the encoded protein sequence. Five of five in-silico tools predict a benign effect of the variant on protein function. The variant allele was found at a frequency of 8.7e-06 in 345874 control chromosomes, including case-control studies (gnomAD, Guo_2020, Okawa_2023, Momozawa_2018). The available data on variant occurrences in the general population are insufficient to allow any conclusion about variant significance. To our knowledge, no occurrence of c.2719A>G in individuals affected with Hereditary Breast And Ovarian Cancer Syndrome and no experimental evidence demonstrating its impact on protein function have been reported. The following publications have been ascertained in the context of this evaluation (PMID: 31837001, 30287823, 36243179). ClinVar contains an entry for this variant (Variation ID: 232177). Based on the evidence outlined above, the variant was classified as uncertain significance.

University of Washington Department of Laboratory Medicine, University of Washington
Classification: Likely benign for Hereditary cancer-predisposing syndrome. Last evaluated: 2023-03-23. Review status: criteria provided, single submitter. Criteria: Dines et al. (Genet Med. 2020). Collection method: curation. Allele origin: germline.
Comment: Missense variant in a coldspot region where missense variants are very unlikely to be pathogenic (PMID:31911673).

BRCA2 exon 11 coldspot. Reclassification based on statistical prior probability.

GeneDx
Classification: Uncertain significance. Last evaluated: 2023-03-13. Review status: criteria provided, single submitter. Criteria: GeneDx Variant Classification Process June 2021. Collection method: clinical testing. Allele origin: germline. Affected: yes.
Comment: In silico analysis supports that this missense variant does not alter protein structure/function; Not observed at significant frequency in large population cohorts (gnomAD); Also known as 2947A>G; This variant is associated with the following publications: (PMID: 25348012, 31853058, 30287823, 31131967, 29884841, 32377563, 32467295)

Cancer Molecular Diagnostics Core, Tianjin Medical University Cancer Institute and Hospital
Classification: Uncertain significance for Breast cancer, susceptibility to. Last evaluated: 2018-03-25. Review status: criteria provided, single submitter. Criteria: ACMG Guidelines, 2015. Collection method: research. Allele origin: germline. Affected: yes. Observed: 1 variant allele.

Literature cited by the submitters: PubMed 30287823 (cited by 3 submitters); PubMed 32980694 (cited by All of Us Research Program, National Institutes of Health); PubMed 36243179 (cited by All of Us Research Program, National Institutes of Health and Women's Health and Genetics/Laboratory Corporation of America, LabCorp); PubMed 31837001 (cited by Women's Health and Genetics/Laboratory Corporation of America, LabCorp).

NM_000059.4(BRCA2):c.2719A>G (p.Lys907Glu)

Gene: BRCA2 (BRCA2 DNA repair associated; plus strand). Cytogenetic location: 13q13.1.
Variant type: single nucleotide variant.
Coding change: c.2719A>G on transcript NM_000059.4 (MANE Select); coding-DNA position 2719, A replaced by G.
Protein change: p.Lys907Glu; replaces lysine 907 with glutamic acid.
Molecular consequence: missense variant.
Genome position (GRCh38, 1-based): chr13:32,337,074, A>G. VCF-style: chr13-32337074-A-G. GRCh37 (hg19) VCF-style: chr13-32911211-A-G.
Other names: short protein forms K907E.
Identifiers: ClinVar variation 232177 (VCV000232177.20), dbSNP rs876659600, ClinGen allele CA10579549.